The following is an entry in ClinVar:

NM_144997.7(FLCN):c.62G>A (p.Cys21Tyr)

Gene: FLCN (folliculin; minus strand). Cytogenetic location: 17p11.2.
Variant type: single nucleotide variant.
Coding change: c.62G>A on transcript NM_144997.7 (MANE Select); coding-DNA position 62, G replaced by A.
Protein change: p.Cys21Tyr; replaces cysteine 21 with tyrosine.
Molecular consequence: missense variant.
Genome position (GRCh38, 1-based): chr17:17,228,076, C>T on the plus strand (G>A on the coding strand, the complement: FLCN is on the minus strand). VCF-style: chr17-17228076-C-T. GRCh37 (hg19) VCF-style: chr17-17131390-C-T.
Other names: c.62G>A (LRG_325t1); c.62G>A, p.Cys21Tyr (NM_001353229.2, NM_001353230.2, NM_001353231.2 and 1 more transcripts); short protein forms C21Y.
Identifiers: ClinVar variation 649767 (VCV000649767.15), dbSNP rs1025567379, ClinGen allele CA288320819.
Genomic context (GRCh38, chr17:17,228,076, plus strand): 5'-TGGCCAGGACTGTCCTCATTCCCATCCCCTTGAGGAAGTGGGGCGTGCAGCACCTCCGTG[C>T]AGAAGAGAGTGCGGGGGCCGTGGAGCTCGCAGAAGTGGCAGAGAGCCACGATGGCATTCA-3'
Protein context (NP_659434.2, residues 11-31): CELHGPRTLF[Cys21Tyr]TEVLHAPLPQ

ClinVar aggregate classification (germline): Conflicting classifications of pathogenicity. Review status: criteria provided, conflicting classifications (1 of 4 stars). 4 submissions from 4 submitters: Uncertain significance (3); Benign (1). Last evaluated 2025-12-30.

Conditions:
Hereditary cancer-predisposing syndrome. Also called: Hereditary Cancer Syndrome; Tumor predisposition; Neoplastic Syndromes, Hereditary; Hereditary neoplastic syndrome. Identifiers: Orphanet 140162, MedGen C0027672, MeSH D009386, MONDO:0015356.
Birt-Hogg-Dube syndrome 1 (BHD1). Also called: FIBROFOLLICULOMAS WITH TRICHODISCOMAS AND ACROCHORDONS. Identifiers: Orphanet 122, MedGen CN375946, MONDO:0800445, OMIM 135150.
Birt-Hogg-Dube syndrome. Also called: Birt Hogg Dubé syndrome. Identifiers: Orphanet 122, MedGen C0346010, MONDO:0800444.

Allele frequency attached by ClinVar (database versions not stated): gnomAD exomes 0.00002 and 0.00003; TOPMed 0.00002.
gnomAD v4.1: 16 of 1,613,656 alleles (0.00099%); highest among the groups gnomAD compares: Admixed American, 0.027%; 1 homozygote.

Submissions (4):

Labcorp Genetics (formerly Invitae), Labcorp
Classification: Uncertain significance for Birt-Hogg-Dube syndrome. Last evaluated: 2025-12-30. Review status: criteria provided, single submitter. Criteria: Invitae Variant Classification Sherloc (09022015). Collection method: clinical testing. Allele origin: germline.
Comment: This sequence change replaces cysteine, which is neutral and slightly polar, with tyrosine, which is neutral and polar, at codon 21 of the FLCN protein (p.Cys21Tyr). This variant is present in population databases (no rsID available, gnomAD 0.02%). This variant has not been reported in the literature in individuals affected with FLCN-related conditions. ClinVar contains an entry for this variant (Variation ID: 649767). Invitae Evidence Modeling of protein sequence and biophysical properties (such as structural, functional, and spatial information, amino acid conservation, physicochemical variation, residue mobility, and thermodynamic stability) has been performed for this missense variant. However, the output from this modeling did not meet the statistical confidence thresholds required to predict the impact of this variant on FLCN protein function. In summary, the available evidence is currently insufficient to determine the role of this variant in disease. Therefore, it has been classified as a Variant of Uncertain Significance.

Baylor Genetics
Classification: Uncertain significance for Birt-Hogg-Dube syndrome 1. Last evaluated: 2024-03-11. Review status: criteria provided, single submitter. Criteria: ACMG Guidelines, 2015. Collection method: clinical testing. Allele origin: unknown.

Ambry Genetics
Classification: Benign for Hereditary cancer-predisposing syndrome. Last evaluated: 2024-02-14. Review status: criteria provided, single submitter. Criteria: Ambry Variant Classification Scheme 2023. Collection method: clinical testing. Allele origin: germline.

GeneDx
Classification: Uncertain significance. Last evaluated: 2023-11-14. Review status: criteria provided, single submitter. Criteria: GeneDx Variant Classification Process June 2021. Collection method: clinical testing. Allele origin: germline. Affected: yes.
Comment: In silico analysis supports that this missense variant has a deleterious effect on protein structure/function; Has not been previously published as pathogenic or benign to our knowledge